The following is an entry in ClinVar:

NM_001276270.2(MBD4):c.232G>A (p.Ala78Thr)

Gene: MBD4 (methyl-CpG binding domain 4, DNA glycosylase; minus strand). Cytogenetic location: 3q21.3.
Variant type: single nucleotide variant.
Coding change: c.232G>A on transcript NM_001276270.2 (MANE Select); coding-DNA position 232, G replaced by A.
Protein change: p.Ala78Thr; replaces alanine 78 with threonine.
Molecular consequence: missense variant.
Genome position (GRCh38, 1-based): chr3:129,437,823, C>T on the plus strand (G>A on the coding strand, the complement: MBD4 is on the minus strand). VCF-style: chr3-129437823-C-T. GRCh37 (hg19) VCF-style: chr3-129156666-C-T.
Other names: c.232G>A, p.Ala78Thr (NM_001276271.2, NM_001276272.2, NM_001276273.2 and 1 more transcripts); short protein forms A78T.
Identifiers: ClinVar variation 2747153 (VCV002747153.4), dbSNP rs2530727984, ClinGen allele CA354468509.

ClinVar aggregate classification (germline): Uncertain significance. Review status: criteria provided, multiple submitters, no conflicts (2 of 4 stars). 2 submissions from 2 submitters: Uncertain significance (2). Last evaluated 2025-05-15.

Conditions:
Inborn genetic diseases. Identifiers: MedGen C0950123, MeSH D030342.

Submissions (2):

Ambry Genetics
Classification: Uncertain significance for Inborn genetic diseases. Last evaluated: 2025-05-15. Review status: criteria provided, single submitter. Criteria: Ambry Variant Classification Scheme 2023. Collection method: clinical testing. Allele origin: germline.
Comment: The p.A78T variant (also known as c.232G>A), located in coding exon 2 of the MBD4 gene, results from a G to A substitution at nucleotide position 232. The alanine at codon 78 is replaced by threonine, an amino acid with similar properties. This amino acid position is conserved. In addition, this alteration is predicted to be tolerated by in silico analysis. Based on the available evidence, the clinical significance of this variant remains unclear.

Labcorp Genetics (formerly Invitae), Labcorp
Classification: Uncertain significance. Last evaluated: 2023-12-09. Review status: criteria provided, single submitter. Criteria: Invitae Variant Classification Sherloc (09022015). Collection method: clinical testing. Allele origin: germline.
Comment: This sequence change replaces alanine, which is neutral and non-polar, with threonine, which is neutral and polar, at codon 78 of the MBD4 protein (p.Ala78Thr). This variant is not present in population databases (gnomAD no frequency). This variant has not been reported in the literature in individuals affected with MBD4-related conditions. Algorithms developed to predict the effect of missense changes on protein structure and function output the following: SIFT: "Not Available"; PolyPhen-2: "Benign"; Align-GVGD: "Not Available". The threonine amino acid residue is found in multiple mammalian species, which suggests that this missense change does not adversely affect protein function. In summary, the available evidence is currently insufficient to determine the role of this variant in disease. Therefore, it has been classified as a Variant of Uncertain Significance.